The following is an entry in ClinVar:

ClinVar aggregate classification (germline): Conflicting classifications of pathogenicity. Review status: criteria provided, conflicting classifications (1 of 4 stars). 6 submissions from 6 submitters: Uncertain significance (2); Likely benign (3). 1 of the submissions does not count toward it. Last evaluated 2026-03-31.

Conditions:
Inborn genetic diseases. Identifiers: MedGen C0950123, MeSH D030342.
X-linked distal spinal muscular atrophy type 3. Also called: SPINAL MUSCULAR ATROPHY, DISTAL, X-LINKED RECESSIVE; NEURONOPATHY, DISTAL HEREDITARY MOTOR, X-LINKED; NEUROPATHY, DISTAL HEREDITARY MOTOR, X-LINKED; ATP7A-Related Distal Motor Neuropathy. Identifiers: Orphanet 139557, MedGen C1845359, MONDO:0010338, OMIM 300489.
Cutis laxa, X-linked (OHS). Also called: EDS IX; Occipital horn syndrome. Identifiers: Orphanet 198, MedGen C0268353, MONDO:0010572, OMIM 304150.
Menkes kinky-hair syndrome (MNK). Also called: Copper transport disease; Menkes Disease; Classic Menkes Disease. Identifiers: Orphanet 565, MedGen C0022716, MONDO:0010651, OMIM 309400.

Allele frequency attached by ClinVar (database versions not stated): gnomAD 0.00004; TOPMed 0.00004; gnomAD exomes 0.00005; ExAC 0.00007; ESP Exome Variant Server 0.00009.
gnomAD v4.1: 61 of 1,210,478 alleles (0.005%); highest among the groups gnomAD compares: Non-Finnish European, 0.0067%; no homozygotes.

Submissions (6):

Women's Health and Genetics/Laboratory Corporation of America, LabCorp
Classification: Uncertain significance. Last evaluated: 2026-03-31. Review status: criteria provided, single submitter. Criteria: LabCorp Variant Classification Summary - May 2015. Collection method: clinical testing. Allele origin: germline.
Comment: Variant summary: ATP7A c.3863A>G (p.Gln1288Arg) results in a conservative amino acid change in the encoded protein sequence. Algorithms developed to predict the effect of missense changes on protein structure and function are either unavailable or do not agree on the potential impact of this missense change. The variant allele was found at a frequency of 5.5e-05 in 183446 control chromosomes. This frequency is not significantly higher than estimated for disease-causing variants in ATP7A, allowing no conclusion about variant significance. To our knowledge, no occurrence of c.3863A>G in individuals affected with ATP7A-related conditions and no experimental evidence demonstrating its impact on protein function have been reported. ClinVar contains an entry for this variant (Variation ID: 234437). Based on the evidence outlined above, the variant was classified as uncertain significance.

Labcorp Genetics (formerly Invitae), Labcorp
Classification: Likely benign for X-linked distal spinal muscular atrophy type 3; Cutis laxa, X-linked; Menkes kinky-hair syndrome. Last evaluated: 2026-01-11. Review status: criteria provided, single submitter. Criteria: Invitae Variant Classification Sherloc (09022015). Collection method: clinical testing. Allele origin: germline.

CeGaT Center for Human Genetics Tuebingen
Classification: Likely benign. Last evaluated: 2025-06-01. Review status: criteria provided, single submitter. Criteria: CeGaT Center For Human Genetics Tuebingen Variant Classification Criteria Version 2. Collection method: clinical testing. Allele origin: germline. Affected: yes. Observed: 4 variant alleles.
Comment: ATP7A: PP2, BS2; PGK1: BS2

Ambry Genetics
Classification: Likely benign for Inborn genetic diseases. Last evaluated: 2021-08-09. Review status: criteria provided, single submitter. Criteria: Ambry Variant Classification Scheme 2023. Collection method: clinical testing. Allele origin: germline.

GeneDx
Classification: Uncertain significance. Last evaluated: 2016-01-11. Review status: criteria provided, single submitter. Criteria: GeneDx Variant Classification (06012015). Collection method: clinical testing. Allele origin: germline. Affected: yes.
Comment: The Q1288R variant in the ATP7A gene has not been reported previously as a pathogenic variant, nor as a benign variant, to our knowledge. The Q1288R variant was not observed in approximately 6500 individuals of European and African American ancestry in the NHLBI Exome Sequencing Project, indicating it is not a common benign variant in these populations. The Q1288R variant is a semi-conservative amino acid substitution, which occurs at a position that is conserved across species. In silico analysis is inconsistent in its predictions as to whether or not the variant is damaging to the protein structure/function. We interpret Q1288R as a variant of uncertain significance.

Natera, Inc.
Classification: Uncertain significance for Menkes kinky hair syndrome. Last evaluated: 2020-04-11. Review status: no assertion criteria provided. Collection method: clinical testing. Allele origin: germline. Not counted in ClinVar's aggregate classification.

NM_000052.7(ATP7A):c.3863A>G (p.Gln1288Arg)

Genes: ATP7A (ATPase copper transporting alpha; plus strand), PGK1 (phosphoglycerate kinase 1; plus strand). Cytogenetic location: Xq21.1.
Variant type: single nucleotide variant.
Coding change: c.3863A>G on transcript NM_000052.7 (MANE Select); coding-DNA position 3863, A replaced by G.
Protein change: p.Gln1288Arg; replaces glutamine 1288 with arginine.
Molecular consequence: missense variant. On other transcripts: non-coding transcript variant (1).
Genome position (GRCh38, 1-based): chrX:78,042,646, A>G. VCF-style: chrX-78042646-A-G. GRCh37 (hg19) VCF-style: chrX-77298144-A-G.
Other names: c.3629A>G, p.Gln1210Arg (NM_001282224.2); short protein forms Q1288R, Q1210R.
Identifiers: ClinVar variation 234437 (VCV000234437.43), dbSNP rs375788705, ClinGen allele CA10459473.